The following is an entry in ClinVar:

ClinVar aggregate classification (germline): Uncertain significance (1 of 4 stars; one submission).

Conditions:
Multiple congenital anomalies-hypotonia-seizures syndrome 1 (MCAHS1). Also called: PIGN-CDG; Congenital disorder of glycosylation due to PIGN deficiency; GLYCOSYLPHOSPHATIDYLINOSITOL BIOSYNTHESIS DEFECT 3. Identifiers: Orphanet 280633, MedGen C3279775, MONDO:0013563, OMIM 614080.

Allele frequency attached by ClinVar (database versions not stated): gnomAD 0.00001; TOPMed 0.00002; gnomAD exomes 0.00003.
gnomAD v4.1: 35 of 1,531,940 alleles (0.0023%); highest among the groups gnomAD compares: Non-Finnish European, 0.003%; no homozygotes.

Submission:

Labcorp Genetics (formerly Invitae), Labcorp
Classification: Uncertain significance for Multiple congenital anomalies-hypotonia-seizures syndrome 1. Last evaluated: 2022-03-08. Review status: criteria provided, single submitter. Criteria: Invitae Variant Classification Sherloc (09022015). Collection method: clinical testing. Allele origin: germline.
Comment: This sequence change replaces lysine, which is basic and polar, with arginine, which is basic and polar, at codon 834 of the PIGN protein (p.Lys834Arg). This variant is not present in population databases (gnomAD no frequency). This variant has not been reported in the literature in individuals affected with PIGN-related conditions. Algorithms developed to predict the effect of missense changes on protein structure and function are either unavailable or do not agree on the potential impact of this missense change (SIFT: "Tolerated"; PolyPhen-2: "Probably Damaging"; Align-GVGD: "Class C0"). Algorithms developed to predict the effect of sequence changes on RNA splicing suggest that this variant may disrupt the consensus splice site. In summary, the available evidence is currently insufficient to determine the role of this variant in disease. Therefore, it has been classified as a Variant of Uncertain Significance.

NM_176787.5(PIGN):c.2501A>G (p.Lys834Arg)

Gene: PIGN (phosphatidylinositol glycan anchor biosynthesis class N; minus strand). Cytogenetic location: 18q21.33.
Variant type: single nucleotide variant.
Coding change: c.2501A>G on transcript NM_176787.5 (MANE Select); coding-DNA position 2501, A replaced by G.
Protein change: p.Lys834Arg; replaces lysine 834 with arginine.
Molecular consequence: missense variant.
Genome position (GRCh38, 1-based): chr18:62,084,532, T>C on the plus strand (A>G on the coding strand, the complement: PIGN is on the minus strand). VCF-style: chr18-62084532-T-C. GRCh37 (hg19) VCF-style: chr18-59751765-T-C.
Other names: c.2501A>G, p.Lys834Arg (NM_012327.6); short protein forms K834R.
Identifiers: ClinVar variation 1981153 (VCV001981153.1), dbSNP rs1425875624, ClinGen allele CA402601147.
Genomic context (GRCh38, chr18:62,084,532, plus strand): 5'-GACTTTATAATCTTAATCAATCAATAGCTTAAGACAAATAACAAAATAAGAAAACTAACC[T>C]TCCACATCATCAGGGCTCCCATCATAAAAGGACTGAACACAGTCAGAAAGCAATAGACAG-3'
Protein context (NP_789744.1, residues 824-844): PFMMGALMMW[Lys834Arg]ILIPFVLVMC